The following is an entry in ClinVar:

ClinVar aggregate classification (germline): Pathogenic. Review status: criteria provided, multiple submitters, no conflicts (2 of 4 stars). 2 submissions from 2 submitters: Pathogenic (2). Last evaluated 2025-08-29.

Conditions:
Okur-Chung neurodevelopmental syndrome (OCNDS). Identifiers: Orphanet 689422, MedGen C4310739, MONDO:0014893, OMIM 617062.

Allele frequency attached by ClinVar (database versions not stated): TOPMed below 0.00001.

Submissions (2):

GeneDx
Classification: Pathogenic. Last evaluated: 2025-08-29. Review status: criteria provided, single submitter. Criteria: GeneDx Variant Classification Process June 2021. Collection method: clinical testing. Allele origin: germline. Affected: yes.
Comment: Reported as a de novo variant in an infant proband with dysmorphic facial features, enlarged cisterna magna, polyhydramnios, supraventricular tachycardia, ascites, and pleural effusion (PMID: 36307859); Not observed at significant frequency in large population cohorts (gnomAD); Nonsense variant predicted to result in protein truncation or nonsense mediated decay in a gene for which loss of function is a known mechanism of disease; This variant is associated with the following publications: (PMID: 36307859)

Molecular Diagnostics Laboratory, M Health Fairview: University of Minnesota
Classification: Pathogenic for Okur-Chung neurodevelopmental syndrome. Last evaluated: 2025-04-18. Review status: criteria provided, single submitter. Criteria: ACMG Guidelines, 2015. Collection method: clinical testing. Allele origin: germline. Affected: yes.

NM_177559.3(CSNK2A1):c.838C>T (p.Arg280Ter)

Gene: CSNK2A1 (casein kinase 2 alpha 1; minus strand). Cytogenetic location: 20p13.
Variant type: single nucleotide variant.
Coding change: c.838C>T on transcript NM_177559.3 (MANE Select); coding-DNA position 838, C replaced by T.
Protein change: p.Arg280Ter; replaces arginine 280 with a stop codon.
Molecular consequence: nonsense.
Genome position (GRCh38, 1-based): chr20:487,562, G>A on the plus strand (C>T on the coding strand, the complement: CSNK2A1 is on the minus strand). VCF-style: chr20-487562-G-A. GRCh37 (hg19) VCF-style: chr20-468206-G-A.
Other names: c.838C>T, p.Arg280Ter (NM_001362770.2, NM_001362771.2, NM_001895.4); c.430C>T, p.Arg144Ter (NM_177560.3); short protein forms R144*, R280*.
Identifiers: ClinVar variation 1329650 (VCV001329650.7), dbSNP rs2018126017, ClinGen allele CA407925322.